The following is an entry in ClinVar:

ClinVar aggregate classification (germline): Pathogenic (1 of 4 stars; one submission).

Conditions:
Primary ciliary dyskinesia. Also called: Ciliary dyskinesia. Identifiers: Orphanet 244, MedGen C0008780, MONDO:0016575, HP:0012265.

Submission:

Labcorp Genetics (formerly Invitae), Labcorp
Classification: Pathogenic for Primary ciliary dyskinesia. Last evaluated: 2021-03-20. Review status: criteria provided, single submitter. Criteria: Invitae Variant Classification Sherloc (09022015). Collection method: clinical testing. Allele origin: germline.
Comment: For these reasons, this variant has been classified as Pathogenic. This variant has not been reported in the literature in individuals with DNAH5-related conditions. This variant is not present in population databases (ExAC no frequency). This sequence change creates a premature translational stop signal (p.Gly1193Valfs*10) in the DNAH5 gene. It is expected to result in an absent or disrupted protein product. Loss-of-function variants in DNAH5 are known to be pathogenic (PMID: 11788826, 16627867).

Literature cited by the submitters: PubMed 11788826; PubMed 16627867.

NM_001369.3(DNAH5):c.3578del (p.Gly1193fs)

Genes: DNAH5 (dynein axonemal heavy chain 5; minus strand), DNAH5-AS1 (DNAH5 antisense RNA 1; plus strand). Cytogenetic location: 5p15.2.
Variant type: Deletion.
Coding change: c.3578del on transcript NM_001369.3 (MANE Select); coding-DNA position 3578, one base deleted (G; older notation c.3578delG).
Protein change: p.Gly1193fs; shifts the reading frame from glycine 1193.
Molecular consequence: frameshift variant.
Genome position (GRCh38, 1-based): chr5:13,871,584, C deleted on the plus strand (G on the coding strand, the reverse complement: DNAH5 is on the minus strand); the first of 3 consecutive C bases (chr5:13,871,584-13,871,586); deleting any one gives the same sequence. VCF-style (leftmost placement, unchanged base first): chr5-13871583-AC-A. GRCh37 (hg19) VCF-style: chr5-13871692-AC-A.
Other names: short protein forms G1193fs.
Identifiers: ClinVar variation 1367058 (VCV001367058.6), dbSNP rs2151920264, ClinGen allele CA2573138502.